The following is an entry in ClinVar:

NM_004260.4(RECQL4):c.1131G>C (p.Gln377His)

Gene: RECQL4 (RecQ like helicase 4; minus strand). Cytogenetic location: 8q24.3.
Variant type: single nucleotide variant.
Coding change: c.1131G>C on transcript NM_004260.4 (MANE Select); coding-DNA position 1131, G replaced by C.
Protein change: p.Gln377His; replaces glutamine 377 with histidine.
Molecular consequence: missense variant.
Genome position (GRCh38, 1-based): chr8:144,515,988, C>G on the plus strand (G>C on the coding strand, the complement: RECQL4 is on the minus strand). VCF-style: chr8-144515988-C-G. GRCh37 (hg19) VCF-style: chr8-145741372-C-G.
Other names: short protein forms Q377H.
Identifiers: ClinVar variation 1046560 (VCV001046560.5), dbSNP rs911864123, ClinGen allele CA372687924.

ClinVar aggregate classification (germline): Uncertain significance (1 of 4 stars; one submission).

Conditions:
Baller-Gerold syndrome (BGS). Also called: CRANIOSYNOSTOSIS WITH RADIAL DEFECTS. Identifiers: Orphanet 1225, MedGen C0265308, MONDO:0009039, OMIM 218600.

Allele frequency attached by ClinVar (database versions not stated): gnomAD 0.00001.
gnomAD v4.1: 1 of 1,609,698 alleles (0.000062%); highest among the groups gnomAD compares: East Asian, 0.0022%; no homozygotes.

Submission:

Labcorp Genetics (formerly Invitae), Labcorp
Classification: Uncertain significance for Baller-Gerold syndrome. Last evaluated: 2023-08-17. Review status: criteria provided, single submitter. Criteria: Invitae Variant Classification Sherloc (09022015). Collection method: clinical testing. Allele origin: germline.
Comment: This sequence change replaces glutamine, which is neutral and polar, with histidine, which is basic and polar, at codon 377 of the RECQL4 protein (p.Gln377His). This variant also falls at the last nucleotide of exon 5, which is part of the consensus splice site for this exon. This variant is not present in population databases (gnomAD no frequency). In summary, the available evidence is currently insufficient to determine the role of this variant in disease. Therefore, it has been classified as a Variant of Uncertain Significance. Variants that disrupt the consensus splice site are a relatively common cause of aberrant splicing (PMID: 17576681, 9536098). Algorithms developed to predict the effect of sequence changes on RNA splicing suggest that this variant may create or strengthen a splice site. Experimental studies and prediction algorithms are not available or were not evaluated, and the functional significance of this variant is currently unknown. ClinVar contains an entry for this variant (Variation ID: 1046560). This variant has not been reported in the literature in individuals affected with RECQL4-related conditions.

Literature cited by the submitters: PubMed 17576681; PubMed 9536098.